The following is an entry in ClinVar:

ClinVar aggregate classification (germline): Benign/Likely benign. Review status: criteria provided, multiple submitters, no conflicts (2 of 4 stars). 2 submissions from 2 submitters: Benign (1); Likely benign (1). Last evaluated 2024-08-21.

Conditions:
Hereditary cancer-predisposing syndrome. Also called: Neoplastic Syndromes, Hereditary; Tumor predisposition; Hereditary neoplastic syndrome; Hereditary Cancer Syndrome. Identifiers: Orphanet 140162, MedGen C0027672, MeSH D009386, MONDO:0015356.
Familial cancer of breast. Also called: BREAST CANCER, FAMILIAL; Hereditary breast cancer; hereditary breast carcinoma. Identifiers: Orphanet 227535, MedGen C0346153, MONDO:0016419, OMIM 114480. Disease mechanism: loss of function.

Submissions (2):

Myriad Genetics, Inc.
Classification: Benign for Familial cancer of breast. Last evaluated: 2024-08-21. Review status: criteria provided, single submitter. Criteria: Myriad Autosomal Dominant, Autosomal Recessive and X-Linked Classification Criteria (2023). Collection method: clinical testing. Allele origin: unknown.
Comment: This variant is considered benign. This variant is a silent/synonymous amino acid change and it is not expected to impact splicing.

Ambry Genetics
Classification: Likely benign for Hereditary cancer-predisposing syndrome. Last evaluated: 2023-02-18. Review status: criteria provided, single submitter. Criteria: Ambry Variant Classification Scheme 2023. Collection method: clinical testing. Allele origin: germline.

NM_032043.3(BRIP1):c.453T>C (p.Asn151=)

Gene: BRIP1 (BRCA1 interacting DNA helicase 1; minus strand). Cytogenetic location: 17q23.2.
Variant type: single nucleotide variant.
Coding change: c.453T>C on transcript NM_032043.3 (MANE Select); coding-DNA position 453, T replaced by C.
Protein change: p.Asn151=; no amino-acid change (asparagine 151 retained).
Molecular consequence: synonymous variant.
Genome position (GRCh38, 1-based): chr17:61,849,183, A>G on the plus strand (T>C on the coding strand, the complement: BRIP1 is on the minus strand). VCF-style: chr17-61849183-A-G. GRCh37 (hg19) VCF-style: chr17-59926544-A-G.
Identifiers: ClinVar variation 3228139 (VCV003228139.2), dbSNP rs2545420099, ClinGen allele CA501150890.